The following is an entry in ClinVar:

ClinVar aggregate classification (germline): Uncertain significance. Review status: criteria provided, multiple submitters, no conflicts (2 of 4 stars). 2 submissions from 2 submitters: Uncertain significance (2). Last evaluated 2024-02-06.

Conditions:
Dystonic disorder. Also called: Dystonia. Identifiers: MedGen C0013421, MONDO:0003441, HP:0001332.
Inborn genetic diseases. Identifiers: MedGen C0950123, MeSH D030342.

gnomAD v4.1: 4 of 1,614,134 alleles (0.00025%); highest among the groups gnomAD compares: Admixed American, 0.0017%; no homozygotes.

Submissions (2):

Ambry Genetics
Classification: Uncertain significance for Inborn genetic diseases. Last evaluated: 2024-02-06. Review status: criteria provided, single submitter. Criteria: Ambry Variant Classification Scheme 2023. Collection method: clinical testing. Allele origin: germline.

Labcorp Genetics (formerly Invitae), Labcorp
Classification: Uncertain significance for Dystonic disorder. Last evaluated: 2021-12-02. Review status: criteria provided, single submitter. Criteria: Invitae Variant Classification Sherloc (09022015). Collection method: clinical testing. Allele origin: germline.
Comment: In summary, the available evidence is currently insufficient to determine the role of this variant in disease. Therefore, it has been classified as a Variant of Uncertain Significance. Algorithms developed to predict the effect of missense changes on protein structure and function are either unavailable or do not agree on the potential impact of this missense change (SIFT: "Tolerated"; PolyPhen-2: "Probably Damaging"; Align-GVGD: "Class C0"). This variant has not been reported in the literature in individuals affected with TOR1A-related conditions. This variant is present in population databases (rs750125951, gnomAD 0.003%). This sequence change replaces tyrosine, which is neutral and polar, with asparagine, which is neutral and polar, at codon 274 of the TOR1A protein (p.Tyr274Asn).

NM_000113.3(TOR1A):c.820T>A (p.Tyr274Asn)

Gene: TOR1A (torsin family 1 member A; minus strand). Cytogenetic location: 9q34.11.
Variant type: single nucleotide variant.
Coding change: c.820T>A on transcript NM_000113.3 (MANE Select); coding-DNA position 820, T replaced by A.
Protein change: p.Tyr274Asn; replaces tyrosine 274 with asparagine.
Molecular consequence: missense variant.
Genome position (GRCh38, 1-based): chr9:129,814,151, A>T on the plus strand (T>A on the coding strand, the complement: TOR1A is on the minus strand). VCF-style: chr9-129814151-A-T. GRCh37 (hg19) VCF-style: chr9-132576430-A-T.
Other names: c.820T>A (NM_000113.2); short protein forms Y274N.
Identifiers: ClinVar variation 1475965 (VCV001475965.9), dbSNP rs750125951, ClinGen allele CA5278527.